The following is an entry in ClinVar:

ClinVar aggregate classification (germline): Uncertain significance. Review status: criteria provided, single submitter (1 of 4 stars). 2 submissions from 2 submitters: Uncertain significance (1). 1 of the submissions does not count toward it. Last evaluated 2022-03-02.

Conditions:
3-methylcrotonyl-CoA carboxylase 1 deficiency (MCC1D). Also called: MCCD TYPE 1; METHYLCROTONYLGLYCINURIA TYPE I; MCC 1 deficiency; 3 Alpha methylcrotonylglycinuria 1. Identifiers: Orphanet 6, MedGen CN028786, MONDO:0008861, OMIM 210200.

Allele frequency attached by ClinVar (database versions not stated): gnomAD exomes below 0.00001; TOPMed 0.00001.
gnomAD v4.1: 2 of 1,614,218 alleles (0.00012%); highest among the groups gnomAD compares: Non-Finnish European, 0.00017%; no homozygotes.

Submissions (2):

Labcorp Genetics (formerly Invitae), Labcorp
Classification: Uncertain significance for 3-methylcrotonyl-CoA carboxylase 1 deficiency. Last evaluated: 2022-03-02. Review status: criteria provided, single submitter. Criteria: Invitae Variant Classification Sherloc (09022015). Collection method: clinical testing. Allele origin: germline.
Comment: This sequence change replaces methionine, which is neutral and non-polar, with threonine, which is neutral and polar, at codon 203 of the MCCC1 protein (p.Met203Thr). This variant is not present in population databases (gnomAD no frequency). This missense change has been observed in individual(s) with 3-methylcrotonyl-CoA carboxylase deficiency (PMID: 26566957). ClinVar contains an entry for this variant (Variation ID: 1051956). Algorithms developed to predict the effect of missense changes on protein structure and function (SIFT, PolyPhen-2, Align-GVGD) all suggest that this variant is likely to be disruptive. In summary, the available evidence is currently insufficient to determine the role of this variant in disease. Therefore, it has been classified as a Variant of Uncertain Significance.

Natera, Inc.
Classification: Uncertain significance for 3-methylcrotonyl-CoA carboxylase 1 deficiency. Last evaluated: 2020-08-15. Review status: no assertion criteria provided. Collection method: clinical testing. Allele origin: germline. Not counted in ClinVar's aggregate classification.

Literature cited by the submitters: PubMed 26566957 (cited by Labcorp Genetics (formerly Invitae), Labcorp).

NM_020166.5(MCCC1):c.608T>C (p.Met203Thr)

Gene: MCCC1 (methylcrotonyl-CoA carboxylase subunit 1; minus strand). Cytogenetic location: 3q27.1.
Variant type: single nucleotide variant.
Coding change: c.608T>C on transcript NM_020166.5 (MANE Select); coding-DNA position 608, T replaced by C.
Protein change: p.Met203Thr; replaces methionine 203 with threonine.
Molecular consequence: missense variant. On other transcripts: non-coding transcript variant (2).
Genome position (GRCh38, 1-based): chr3:183,071,241, A>G on the plus strand (T>C on the coding strand, the complement: MCCC1 is on the minus strand). VCF-style: chr3-183071241-A-G. GRCh37 (hg19) VCF-style: chr3-182789029-A-G.
Other names: c.257T>C, p.Met86Thr (NM_001293273.2); c.281T>C, p.Met94Thr (NM_001363880.1); short protein forms M203T, M86T, M94T.
Identifiers: ClinVar variation 1051956 (VCV001051956.10), dbSNP rs1406515651, ClinGen allele CA355330306.
Genomic context (GRCh38, chr3:183,071,241, plus strand): 5'-TTGGCAAACACAAGCATGCACAATCTTACTTTTCCTCCTCCACCCCGGACGGCTTTAATC[A>G]TGACAGGATAGCCAATTCTCCTGGCGTGTTCCTTCAGGCACTGGTCTGATTGGTCCTCAC-3'
Protein context (NP_064551.3, residues 193-213): EHARRIGYPV[Met203Thr]IKAVRGGGGK